The following is an entry in ClinVar:

NM_004415.4(DSP):c.3300C>G (p.Cys1100Trp)

Gene: DSP (desmoplakin; plus strand). Cytogenetic location: 6p24.3.
Variant type: single nucleotide variant.
Coding change: c.3300C>G on transcript NM_004415.4 (MANE Select); coding-DNA position 3300, C replaced by G.
Protein change: p.Cys1100Trp; replaces cysteine 1100 with tryptophan.
Molecular consequence: missense variant.
Genome position (GRCh38, 1-based): chr6:7,579,490, C>G. VCF-style: chr6-7579490-C-G. GRCh37 (hg19) VCF-style: chr6-7579723-C-G.
Other names: c.3300C>G, p.Cys1100Trp (NM_001008844.3, NM_001319034.2); short protein forms C1100W.
Identifiers: ClinVar variation 3359869 (VCV003359869.1).

ClinVar aggregate classification (germline): Uncertain significance (1 of 4 stars; one submission).

Submission:

GeneDx
Classification: Uncertain significance. Last evaluated: 2023-06-13. Review status: criteria provided, single submitter. Criteria: GeneDx Variant Classification Process June 2021. Collection method: clinical testing. Allele origin: germline. Affected: yes.
Comment: Not observed at significant frequency in large population cohorts (gnomAD); In silico analysis supports that this missense variant does not alter protein structure/function; Has not been previously published as pathogenic or benign to our knowledge